The following is an entry in ClinVar:

NM_000179.3(MSH6):c.3883_3901dup (p.Asn1301delinsThrTer)

Gene: MSH6 (mutS homolog 6; plus strand). Cytogenetic location: 2p16.3.
Variant type: Duplication.
Coding change: c.3883_3901dup on transcript NM_000179.3 (MANE Select); coding-DNA positions 3883 to 3901, 19 bases duplicated (CCTAAAAGCTATGGCTTTA).
Protein change: p.Asn1301delinsThrTer.
Molecular consequence: nonsense. On other transcripts: non-coding transcript variant (5), intron variant (1), frameshift variant (1).
Genome position (GRCh38, 1-based): chr2:47,806,533-47,806,551, CCTAAAAGCTATGGCTTTA duplicated. VCF-style (leftmost placement, unchanged base first): chr2-47806532-T-TCCTAAAAGCTATGGCTTTA. GRCh37 (hg19) VCF-style: chr2-48033671-T-TCCTAAAAGCTATGGCTTTA.
Other names: c.3019_3037dup, p.Asn1013delinsThrTer (NM_001406803.1); c.3805_3823dup, p.Asn1275delinsThrTer (NM_001406804.1); c.3586_3604dup, p.Asn1202delinsThrTer (NM_001406805.1, NM_001406818.1, NM_001406819.1 and 10 more transcripts); c.3358_3376dup, p.Asn1126delinsThrTer (NM_001406806.1, NM_001406807.1, NM_001406799.1); c.3883_3901dup, p.Asn1301delinsThrTer (NM_001406808.1, NM_001406809.1, NM_001406796.1); c.2977_2995dup, p.Asn999delinsThrTer (NM_001406811.1, NM_001406812.1, NM_001406814.1 and 6 more transcripts); c.3889_3907dup, p.Asn1303delinsThrTer (NM_001406813.1); c.2317_2335dup, p.Asn779delinsThrTer (NM_001406817.1); and 9 more; short protein forms M1297fs.
Identifiers: ClinVar variation 3074958 (VCV003074958.1), dbSNP rs2530865195, ClinGen allele CA2825001139.

ClinVar aggregate classification (germline): Likely pathogenic (1 of 4 stars; one submission).

Conditions:
Lynch syndrome. Identifiers: Orphanet 144, MedGen C4552100, MONDO:0005835. Disease mechanism: loss of function.

Submission:

All of Us Research Program, National Institutes of Health
Classification: Likely pathogenic for Lynch syndrome. Last evaluated: 2023-12-15. Review status: criteria provided, single submitter. Criteria: ACMG Guidelines, 2015. Collection method: clinical testing. Allele origin: germline. Inheritance: Autosomal dominant inheritance. Observed: 1 variant allele, 1 heterozygote.
Comment: This variant is predicted to result in loss of protein function through nonsense-mediated decay or protein truncation. Loss of function is an established mechanism of disease. To date, this variant has not been reported in association with human disease in the medical literature. This variant is absent from large population databases, including the Genome Aggregation Database.

This study involves interpretation of variants in research participants for the purpose of population health screening. Participant phenotype was not available at the time of variant classification. Additional details can be found in publication PMID: 35346344, PMCID: PMC8962531